The following is an entry in ClinVar:

NM_138694.4(PKHD1):c.5751+3A>G

Gene: PKHD1 (PKHD1 ciliary IPT domain containing fibrocystin/polyductin; minus strand). Cytogenetic location: 6p12.2.
Variant type: single nucleotide variant.
Coding change: c.5751+3A>G on transcript NM_138694.4 (MANE Select); 3 bases into the intron after coding-DNA position 5751, A replaced by G.
Molecular consequence: intron variant.
Genome position (GRCh38, 1-based): chr6:52,010,306, T>C on the plus strand (A>G on the coding strand, the complement: PKHD1 is on the minus strand). VCF-style: chr6-52010306-T-C. GRCh37 (hg19) VCF-style: chr6-51875104-T-C.
Other names: c.5751+3A>G (NM_170724.3).
Identifiers: ClinVar variation 813379 (VCV000813379.18), dbSNP rs1581726525, ClinGen allele CA915944271.
Genomic context (GRCh38, chr6:52,010,306, plus strand): 5'-ACACAATATTACAAATTTAATTTGAGCTGTTTGAATCAGTCTGTAAAAAAGATTTGATTA[T>C]ACCTGAGTGTTCTGGCCCCAGCGTTTCCGTATCTCAGTAATCTTGACGGTAATTGGCTGA-3'

ClinVar aggregate classification (germline): Pathogenic/Likely pathogenic. Review status: criteria provided, multiple submitters, no conflicts (2 of 4 stars). 8 submissions from 7 submitters: Pathogenic (4); Likely pathogenic (4). Last evaluated 2026-01-15.

Conditions:
Autosomal recessive polycystic kidney disease (ARPKD). Also called: AR polycystic kidney disease. Identifiers: Orphanet 731, Orphanet 8378, MedGen C0085548, MeSH D017044, MONDO:0009889.
Polycystic kidney disease 4 (PKD4). Also called: PKD3; POLYCYSTIC KIDNEY DISEASE 4 WITH OR WITHOUT POLYCYSTIC LIVER DISEASE; POLYCYSTIC KIDNEY AND HEPATIC DISEASE 1; POLYCYSTIC KIDNEY DISEASE, INFANTILE, TYPE I; Autosomal Recessive Polycystic Kidney Disease – PKHD1. Identifiers: MedGen C4540575, MONDO:0033004, OMIM 263200.

Allele frequency attached by ClinVar (database versions not stated): gnomAD exomes 0.00001.
gnomAD v4.1: 7 of 1,613,338 alleles (0.00043%); highest among the groups gnomAD compares: Admixed American, 0.0017%; no homozygotes.

Submissions (8):

Myriad Genetics, Inc.
Classification: Likely pathogenic for Polycystic kidney disease 4. Last evaluated: 2026-01-15. Review status: criteria provided, single submitter. Criteria: Myriad Autosomal Dominant, Autosomal Recessive and X-Linked Classification Criteria (2023). Collection method: clinical testing. Allele origin: unknown.
Comment: NM_138694.3(PKHD1):c.5751+3A>G is an intronic variant classified as likely pathogenic in the context of autosomal recessive polycystic kidney disease, PKHD1-related. c.5751+3A>G has been observed in cases with relevant disease (PMID: 33123899, 27225849). Relevant functional assessments of this variant are available in the literature (PMID: 39521997). c.5751+3A>G has not been observed in referenced population frequency databases. In summary, NM_138694.3(PKHD1):c.5751+3A>G is an intronic variant that has been observed more frequently in cases with the relevant disease than in healthy populations. Please note: this variant was assessed in the context of healthy population screening.

Natera, Inc.
Classification: Likely pathogenic for Autosomal recessive polycystic kidney disease. Last evaluated: 2025-11-26. Review status: criteria provided, single submitter. Criteria: Natera Variant Classification Schema (03/2026). Collection method: clinical testing. Allele origin: germline.
Comment: The c.5751+3A>G variant in PKHD1 is an intronic variant located outside the canonical splice sites. This variant is rare in the general population with a frequency below the threshold expected for the associated phenotype(s). This variant has been observed in one or more individuals affected with the associated recessive disease, as either homozygous or compound heterozygous with a second variant (PMID: 33123899, 15805161, 27225849). Functional studies show that this variant may disrupt protein function (PMID: 39521997). Computational prediction algorithms indicate this variant is likely to affect gene or protein function. Given the available evidence, this variant is classified as Likely Pathogenic.

Labcorp Genetics (formerly Invitae), Labcorp
Classification: Pathogenic for Autosomal recessive polycystic kidney disease. Last evaluated: 2025-10-27. Review status: criteria provided, single submitter. Criteria: Invitae Variant Classification Sherloc (09022015). Collection method: clinical testing. Allele origin: germline.
Comment: This sequence change falls in intron 35 of the PKHD1 gene. It does not directly change the encoded amino acid sequence of the PKHD1 protein. It affects a nucleotide within the consensus splice site. This variant is not present in population databases (gnomAD no frequency). This variant has been observed in individual(s) with clinical features of autosomal recessive polycystic kidney disease (PMID: 15805161, 27225849, 33123899). In at least one individual the data is consistent with being in trans (on the opposite chromosome) from a pathogenic variant. ClinVar contains an entry for this variant (Variation ID: 813379). Variants that disrupt the consensus splice site are a relatively common cause of aberrant splicing (PMID: 17576681, 9536098). Algorithms developed to predict the effect of sequence changes on RNA splicing suggest that this variant may disrupt the consensus splice site. For these reasons, this variant has been classified as Pathogenic.

Fulgent Genetics
Classification: Likely pathogenic for Polycystic kidney disease 4. Last evaluated: 2024-04-24. Review status: criteria provided, single submitter. Criteria: ACMG Guidelines, 2015. Collection method: clinical testing. Allele origin: germline.

Daryl Scott Lab, Baylor College of Medicine
Classification: Likely pathogenic for Polycystic kidney disease 4. Last evaluated: 2024-01-01. Review status: criteria provided, single submitter. Criteria: ACMG Guidelines, 2015. Collection method: clinical testing. Allele origin: maternal. Affected: yes. Observed: 1 heterozygote.
Comment: PS4, PM2, PM3, PP3

Baylor Genetics
Classification: Pathogenic for Polycystic kidney disease 4. Last evaluated: 2023-12-25. Review status: criteria provided, single submitter. Criteria: ACMG Guidelines, 2015. Collection method: clinical testing. Allele origin: unknown.

Victorian Clinical Genetics Services, Murdoch Childrens Research Institute
Classification: Pathogenic for Polycystic kidney disease 4. Last evaluated: 2022-09-02. Review status: criteria provided, single submitter. Criteria: ACMG Guidelines, 2015. Collection method: clinical testing. Allele origin: germline. Inheritance: Autosomal recessive inheritance. Affected: yes.
Comment: Based on the classification scheme VCGS_Germline_v1.3.4, this variant is classified as Pathogenic. Following criteria are met: 0102 - Loss of function is a known mechanism of disease in this gene and is associated with polycystic kidney disease 4, with or without hepatic disease (MIM#263200. (I) 0106 - This gene is associated with autosomal recessive disease. (I) 0115 - Variants in this gene are known to have variable expressivity. Significant intra-familial variability has been reported (GeneReviews). (I) 0212 - Non-canonical splice site variant without proven consequence on splicing (no functional evidence available). (SP) 0251 - This variant is heterozygous. (I) 0301 - Variant is absent from gnomAD (both v2 and v3). (SP) 0505 - Abnormal splicing is predicted by in silico tools and affected nucleotide is highly conserved. (SP) 0705 - No comparable splice site variants have previous evidence for pathogenicity. (I) 0801 - This variant has strong previous evidence of pathogenicity in unrelated individuals. It has been reported as compound heterozygotes in at least three individuals with ARPKD and classified as likely pathogenic or pathogenic by diagnostic laboratories in ClinVar (PMID: 15805161, 27225849, 33123899). (SP) 0905 - No published segregation evidence has been identified for this variant. (I) 1007 - No published functional evidence has been identified for this variant. (I) 1208 - Inheritance information for this variant is not currently available in this individual. (I) Legend: (SP) - Supporting pathogenic, (I) - Information, (SB) - Supporting benign

Baylor Genetics
Classification: Pathogenic for Polycystic kidney disease 4. Review status: criteria provided, single submitter. Criteria: ACMG Guidelines, 2015. Collection method: clinical testing. Allele origin: germline.

Literature cited by the submitters: PubMed 27225849 (cited by 4 submitters); PubMed 33123899 (cited by 4 submitters); PubMed 39521997 (cited by Myriad Genetics, Inc. and Natera, Inc.); PubMed 15805161 (cited by 3 submitters); PubMed 17576681 (cited by Labcorp Genetics (formerly Invitae), Labcorp); PubMed 9536098 (cited by Labcorp Genetics (formerly Invitae), Labcorp).